The following is an entry in ClinVar:

NM_003850.3(SUCLA2):c.68C>T (p.Thr23Met)

Genes: SUCLA2 (succinate-CoA ligase ADP-forming subunit beta; minus strand), LOC130009747 (ATAC-STARR-seq lymphoblastoid active region 7719; plus strand). Cytogenetic location: 13q14.2.
Variant type: single nucleotide variant.
Coding change: c.68C>T on transcript NM_003850.3 (MANE Select); coding-DNA position 68, C replaced by T.
Protein change: p.Thr23Met; replaces threonine 23 with methionine.
Molecular consequence: missense variant.
Genome position (GRCh38, 1-based): chr13:48,001,202, G>A on the plus strand (C>T on the coding strand, the complement: SUCLA2 is on the minus strand). VCF-style: chr13-48001202-G-A. GRCh37 (hg19) VCF-style: chr13-48575338-G-A.
Other names: c.68C>T (NM_003850.2); short protein forms T23M.
Identifiers: ClinVar variation 1932818 (VCV001932818.6), dbSNP rs538760468, ClinGen allele CA388155269.

ClinVar aggregate classification (germline): Uncertain significance. Review status: criteria provided, multiple submitters, no conflicts (2 of 4 stars). 2 submissions from 2 submitters: Uncertain significance (2). Last evaluated 2024-04-26.

Conditions:
Inborn genetic diseases. Identifiers: MedGen C0950123, MeSH D030342.
Mitochondrial DNA depletion syndrome, encephalomyopathic form with methylmalonic aciduria (MTDPS5). Also called: MITOCHONDRIAL DNA DEPLETION SYNDROME, ENCEPHALOMYOPATHIC FORM, WITH OR WITHOUT METHYLMALONIC ACIDURIA, AUTOSOMAL RECESSIVE, SUCLA2-RELATED; Mitochondrial DNA depletion syndrome 5 (encephalomyopathic with or without methylmalonic aciduria); SUCLA2-Related Mitochondrial DNA Depletion Syndrome, Encephalomyopathic Form with Methylmalonic Aciduria; Mitochondrial encephalomyopathy aminoacidopathy. Identifiers: Orphanet 1933, MedGen C5980207, MONDO:0012791, OMIM 612073.

gnomAD v4.1: 5 of 1,609,502 alleles (0.00031%); highest among the groups gnomAD compares: East Asian, 0.0089%; no homozygotes.

Submissions (2):

Ambry Genetics
Classification: Uncertain significance for Inborn genetic diseases. Last evaluated: 2024-04-26. Review status: criteria provided, single submitter. Criteria: Ambry Variant Classification Scheme 2023. Collection method: clinical testing. Allele origin: germline.

Labcorp Genetics (formerly Invitae), Labcorp
Classification: Uncertain significance for Mitochondrial DNA depletion syndrome, encephalomyopathic form with methylmalonic aciduria. Last evaluated: 2022-05-12. Review status: criteria provided, single submitter. Criteria: Invitae Variant Classification Sherloc (09022015). Collection method: clinical testing. Allele origin: germline.
Comment: This sequence change replaces threonine, which is neutral and polar, with methionine, which is neutral and non-polar, at codon 23 of the SUCLA2 protein (p.Thr23Met). The frequency data for this variant in the population databases is considered unreliable, as metrics indicate poor data quality at this position in the gnomAD database. This variant has not been reported in the literature in individuals affected with SUCLA2-related conditions. Algorithms developed to predict the effect of missense changes on protein structure and function (SIFT, PolyPhen-2, Align-GVGD) all suggest that this variant is likely to be tolerated. In summary, the available evidence is currently insufficient to determine the role of this variant in disease. Therefore, it has been classified as a Variant of Uncertain Significance.